The following is an entry in ClinVar:

NM_000088.4(COL1A1):c.4117A>G (p.Ser1373Gly)

Gene: COL1A1 (collagen type I alpha 1 chain; minus strand). Cytogenetic location: 17q21.33.
Variant type: single nucleotide variant.
Coding change: c.4117A>G on transcript NM_000088.4 (MANE Select); coding-DNA position 4117, A replaced by G.
Protein change: p.Ser1373Gly; replaces serine 1373 with glycine.
Molecular consequence: missense variant.
Genome position (GRCh38, 1-based): chr17:50,185,909, T>C on the plus strand (A>G on the coding strand, the complement: COL1A1 is on the minus strand). VCF-style: chr17-50185909-T-C. GRCh37 (hg19) VCF-style: chr17-48263270-T-C.
Other names: short protein forms S1373G.
Identifiers: ClinVar variation 4800879 (VCV004800879.1).

ClinVar aggregate classification (germline): Uncertain significance (1 of 4 stars; one submission).

Conditions:
Osteogenesis imperfecta type I (OI1). Also called: OI, TYPE I; OSTEOGENESIS IMPERFECTA TARDA; OSTEOGENESIS IMPERFECTA WITH BLUE SCLERAE; Lobstein's Disease; Osteogenesis imperfecta type 1; Classic Non-deforming Osteogenesis Imperfecta with Blue Sclerae. Identifiers: Orphanet 216796, Orphanet 666, MedGen C0023931, MONDO:0008146, OMIM 166200. Disease mechanism: loss of function.

gnomAD v4.1: 1 of 1,614,050 alleles (0.000062%); highest among the groups gnomAD compares: East Asian, 0.0022%; no homozygotes.

Submission:

Labcorp Genetics (formerly Invitae), Labcorp
Classification: Uncertain significance for Osteogenesis imperfecta type I. Last evaluated: 2025-02-25. Review status: criteria provided, single submitter. Criteria: Invitae Variant Classification Sherloc (09022015). Collection method: clinical testing. Allele origin: germline.
Comment: This sequence change replaces serine, which is neutral and polar, with glycine, which is neutral and non-polar, at codon 1373 of the COL1A1 protein (p.Ser1373Gly). This variant is present in population databases (no rsID available, gnomAD 0.006%). This variant has not been reported in the literature in individuals affected with COL1A1-related conditions. Invitae Evidence Modeling of protein sequence and biophysical properties (such as structural, functional, and spatial information, amino acid conservation, physicochemical variation, residue mobility, and thermodynamic stability) has been performed for this missense variant. However, the output from this modeling did not meet the statistical confidence thresholds required to predict the impact of this variant on COL1A1 protein function. In summary, the available evidence is currently insufficient to determine the role of this variant in disease. Therefore, it has been classified as a Variant of Uncertain Significance.